The following is an entry in ClinVar:

NM_014520.4(MYBBP1A):c.3397G>A (p.Asp1133Asn)

Gene: MYBBP1A (MYB binding protein 1a; minus strand). Cytogenetic location: 17p13.2.
Variant type: single nucleotide variant.
Coding change: c.3397G>A on transcript NM_014520.4 (MANE Select); coding-DNA position 3397, G replaced by A.
Protein change: p.Asp1133Asn; replaces aspartic acid 1133 with asparagine.
Molecular consequence: missense variant.
Genome position (GRCh38, 1-based): chr17:4,540,385, C>T on the plus strand (G>A on the coding strand, the complement: MYBBP1A is on the minus strand). VCF-style: chr17-4540385-C-T. GRCh37 (hg19) VCF-style: chr17-4443680-C-T.
Other names: c.3397G>A, p.Asp1133Asn (NM_001105538.2); short protein forms D1133N.
Identifiers: ClinVar variation 4821350 (VCV004821350.4).

ClinVar aggregate classification (germline): Likely benign (1 of 4 stars; one submission).

gnomAD v4.1: 852 of 1,609,912 alleles (0.053%); highest among the groups gnomAD compares: South Asian, 0.58%; 7 homozygotes.

Submission:

CeGaT Center for Human Genetics Tuebingen
Classification: Likely benign. Last evaluated: 2026-03-01. Review status: criteria provided, single submitter. Criteria: CeGaT Center For Human Genetics Tuebingen Variant Classification Criteria Version 2. Collection method: clinical testing. Allele origin: germline. Affected: yes. Observed: 1 variant allele.
Comment: MYBBP1A: BP4, BS2